The following is an entry in ClinVar:

ClinVar aggregate classification (germline): Uncertain significance. Review status: criteria provided, single submitter (1 of 4 stars). 2 submissions from 2 submitters: Uncertain significance (1). 1 of the submissions does not count toward it. Last evaluated 2022-08-16.

Conditions:
Inborn genetic diseases. Identifiers: MedGen C0950123, MeSH D030342.
CPE-related disorder. Also called: CPE-related condition.

Allele frequency attached by ClinVar (database versions not stated): gnomAD 0.00003.
gnomAD v4.1: 14 of 1,608,794 alleles (0.00087%); highest among the groups gnomAD compares: Admixed American, 0.024%; no homozygotes.

Submissions (2):

Ambry Genetics
Classification: Uncertain significance for Inborn genetic diseases. Last evaluated: 2022-08-16. Review status: criteria provided, single submitter. Criteria: Ambry Variant Classification Scheme 2023. Collection method: clinical testing. Allele origin: germline.

PreventionGenetics, part of Exact Sciences
Classification: Uncertain significance for CPE-related condition. Last evaluated: 2024-01-31. Review status: no assertion criteria provided. Collection method: clinical testing. Allele origin: germline. Not counted in ClinVar's aggregate classification.
Comment: The CPE c.1320C>G variant is predicted to result in the amino acid substitution p.Ser440Arg. To our knowledge, this variant has not been reported in the literature. This variant is reported in 0.021% of alleles in individuals of Latino descent in gnomAD. At this time, the clinical significance of this variant is uncertain due to the absence of conclusive functional and genetic evidence.

NM_001873.4(CPE):c.1320C>G (p.Ser440Arg)

Gene: CPE (carboxypeptidase E; plus strand). Cytogenetic location: 4q32.3.
Variant type: single nucleotide variant.
Coding change: c.1320C>G on transcript NM_001873.4 (MANE Select); coding-DNA position 1320, C replaced by G.
Protein change: p.Ser440Arg; replaces serine 440 with arginine.
Molecular consequence: missense variant.
Genome position (GRCh38, 1-based): chr4:165,495,665, C>G. VCF-style: chr4-165495665-C-G. GRCh37 (hg19) VCF-style: chr4-166416817-C-G.
Other names: c.1320C>G (NM_001873.3); short protein forms S440R.
Identifiers: ClinVar variation 2307498 (VCV002307498.5), dbSNP rs1451976804, ClinGen allele CA358691284.